The following is an entry in ClinVar:

ClinVar aggregate classification (germline): Conflicting classifications of pathogenicity. Review status: criteria provided, conflicting classifications (1 of 4 stars). 5 submissions from 5 submitters: Uncertain significance (1); Benign (1); Likely benign (3). Last evaluated 2025-05-12.

Conditions:
Hereditary cancer-predisposing syndrome. Also called: Hereditary Cancer Syndrome; Tumor predisposition; Hereditary neoplastic syndrome; Neoplastic Syndromes, Hereditary. Identifiers: Orphanet 140162, MedGen C0027672, MeSH D009386, MONDO:0015356.
Tuberous sclerosis 2 (TSC2). Identifiers: Orphanet 805, MedGen C1860707, MONDO:0013199, OMIM 613254.

Allele frequency attached by ClinVar (database versions not stated): gnomAD exomes below 0.00001; gnomAD 0.00001; TOPMed 0.00001.
gnomAD v4.1: 3 of 1,582,262 alleles (0.00019%); highest among the groups gnomAD compares: African/African-American, 0.004%; no homozygotes.

Submissions (5):

Myriad Genetics, Inc.
Classification: Benign for Tuberous sclerosis 2. Last evaluated: 2025-05-12. Review status: criteria provided, single submitter. Criteria: Myriad Autosomal Dominant, Autosomal Recessive and X-Linked Classification Criteria (2023). Collection method: clinical testing. Allele origin: unknown.
Comment: This variant is considered benign. This variant is a silent/synonymous amino acid change and it is not expected to impact splicing.

Labcorp Genetics (formerly Invitae), Labcorp
Classification: Likely benign for Tuberous sclerosis 2. Last evaluated: 2025-02-18. Review status: criteria provided, single submitter. Criteria: Invitae Variant Classification Sherloc (09022015). Collection method: clinical testing. Allele origin: germline.

Genome-Nilou Lab
Classification: Likely benign for Tuberous sclerosis 2. Last evaluated: 2021-11-07. Review status: criteria provided, single submitter. Criteria: ACMG Guidelines, 2015. Collection method: clinical testing. Allele origin: germline. Affected: no.

Ambry Genetics
Classification: Likely benign for Hereditary cancer-predisposing syndrome. Last evaluated: 2021-01-15. Review status: criteria provided, single submitter. Criteria: Ambry Variant Classification Scheme 2023. Collection method: clinical testing. Allele origin: germline.

Eurofins Ntd Llc (ga)
Classification: Uncertain significance. Last evaluated: 2015-06-02. Review status: criteria provided, single submitter. Criteria: EGL Classification Definitions 2015. Collection method: clinical testing. Allele origin: germline. Observed: 1 variant allele, 1 heterozygote.

NM_000548.5(TSC2):c.855C>T (p.Tyr285=)

Gene: TSC2 (TSC complex subunit 2; plus strand). Cytogenetic location: 16p13.3.
Variant type: single nucleotide variant.
Coding change: c.855C>T on transcript NM_000548.5 (MANE Select); coding-DNA position 855, C replaced by T.
Protein change: p.Tyr285=; no amino-acid change (tyrosine 285 retained).
Molecular consequence: synonymous variant.
Genome position (GRCh38, 1-based): chr16:2,058,753, C>T. VCF-style: chr16-2058753-C-T. GRCh37 (hg19) VCF-style: chr16-2108754-C-T.
Other names: c.855C>T, p.Tyr285= (NM_001077183.3, NM_001114382.3, NM_001363528.2 and 3 more transcripts); c.744C>T, p.Tyr248= (NM_001318827.2); c.708C>T, p.Tyr236= (NM_001318829.2); c.255C>T, p.Tyr85= (NM_001318831.2); c.888C>T, p.Tyr296= (NM_001318832.2).
Identifiers: ClinVar variation 193602 (VCV000193602.19), dbSNP rs794726983, ClinGen allele CA023053.